The following is an entry in ClinVar:

ClinVar aggregate classification (germline): Pathogenic/Likely pathogenic. Review status: criteria provided, multiple submitters, no conflicts (2 of 4 stars). 2 submissions from 2 submitters: Pathogenic (1); Likely pathogenic (1). Last evaluated 2023-09-05.

Conditions:
Achromatopsia 3 (ACHM3). Also called: TOTAL COLORBLINDNESS WITH MYOPIA; ROD MONOCHROMACY 1; ROD MONOCHROMATISM 1; ACHROMATOPSIA WITH MYOPIA; PINGELAPESE BLINDNESS. Identifiers: Orphanet 49382, MedGen C1849792, MONDO:0009875, OMIM 262300.

Submissions (2):

Labcorp Genetics (formerly Invitae), Labcorp
Classification: Pathogenic. Last evaluated: 2023-09-05. Review status: criteria provided, single submitter. Criteria: Invitae Variant Classification Sherloc (09022015). Collection method: clinical testing. Allele origin: germline.
Comment: This sequence change creates a premature translational stop signal (p.Ile406Asnfs*14) in the CNGB3 gene. It is expected to result in an absent or disrupted protein product. Loss-of-function variants in CNGB3 are known to be pathogenic (PMID: 28795510). This variant is not present in population databases (gnomAD no frequency). This variant has not been reported in the literature in individuals affected with CNGB3-related conditions. For these reasons, this variant has been classified as Pathogenic.

Juno Genomics, Hangzhou Juno Genomics, Inc
Classification: Likely pathogenic for Achromatopsia 3. Review status: criteria provided, single submitter. Criteria: ACMG Guidelines, 2015. Collection method: clinical testing. Allele origin: germline.
Comment: Absent from controls (or at extremely low frequency if recessive) in Genome Aggregation Database.;Null variant in a gene where loss of function (LOF) is a known mechanism of disease.

Literature cited by the submitters: PubMed 28795510 (cited by Labcorp Genetics (formerly Invitae), Labcorp).

NM_019098.5(CNGB3):c.1216dup (p.Ile406fs)

Gene: CNGB3 (cyclic nucleotide gated channel subunit beta 3; minus strand). Cytogenetic location: 8q21.3.
Variant type: Duplication.
Coding change: c.1216dup on transcript NM_019098.5 (MANE Select); coding-DNA position 1216, one base duplicated (A; older notation c.1216dupA).
Protein change: p.Ile406fs; shifts the reading frame from isoleucine 406.
Molecular consequence: frameshift variant.
Genome position (GRCh38, 1-based): chr8:86,632,856, T duplicated on the plus strand (A on the coding strand, the reverse complement: CNGB3 is on the minus strand); the first of 2 consecutive T bases (chr8:86,632,856-86,632,857); duplicating either gives the same sequence. VCF-style (leftmost placement, unchanged base first): chr8-86632855-A-AT. GRCh37 (hg19) VCF-style: chr8-87645083-A-AT.
Other names: short protein forms I406fs.
Identifiers: ClinVar variation 2758151 (VCV002758151.5), dbSNP rs2538087128, ClinGen allele CA2697549986.